The following is an entry in ClinVar:

ClinVar aggregate classification (germline): Likely pathogenic (1 of 4 stars; one submission).

Submission:

Labcorp Genetics (formerly Invitae), Labcorp
Classification: Likely pathogenic. Last evaluated: 2019-12-31. Review status: criteria provided, single submitter. Criteria: Invitae Variant Classification Sherloc (09022015). Collection method: clinical testing. Allele origin: unknown.
Comment: Loss-of-function variants in HPS3 are known to be pathogenic (PMID: 11590544). This variant has not been reported in the literature in individuals with HPS3-related conditions. This variant results in the deletion of exon 2 and part of exon 3 (c.218-808_719del) of the HPS3 gene. It is expected to disrupt RNA splicing and likely results in an absent or disrupted protein product. In summary, the currently available evidence indicates that the variant is pathogenic, but additional data are needed to prove that conclusively. Therefore, this variant has been classified as Likely Pathogenic.

Literature cited by the submitters: PubMed 11590544.

NC_000003.11:g.(?_148856983)_(148858810_?)del

Gene: HPS3 (HPS3 biogenesis of lysosomal organelles complex 2 subunit 1; plus strand). Cytogenetic location: 3q24.
Variant type: Deletion.
Identifiers: ClinVar variation 3247051 (VCV003247051.1).